The following is an entry in ClinVar:

ClinVar aggregate classification (germline): Uncertain significance (1 of 4 stars; one submission).

Conditions:
Arrhythmogenic right ventricular dysplasia 11. Also called: ARRHYTHMOGENIC RIGHT VENTRICULAR DYSPLASIA, FAMILIAL, 11; Arrhythmogenic Right Ventricular Dysplasia/Cardiomyopathy11; Arrhythmogenic right ventricular dysplasia 11 with mild palmoplantar keratoderma and woolly hair. Identifiers: MedGen C1864850, MONDO:0012506, OMIM 610476.

Allele frequency attached by ClinVar (database versions not stated): TOPMed 0.00001.

Submission:

Labcorp Genetics (formerly Invitae), Labcorp
Classification: Uncertain significance for Arrhythmogenic right ventricular dysplasia 11. Last evaluated: 2023-10-18. Review status: criteria provided, single submitter. Criteria: Invitae Variant Classification Sherloc (09022015). Collection method: clinical testing. Allele origin: germline.
Comment: This sequence change replaces threonine, which is neutral and polar, with serine, which is neutral and polar, at codon 519 of the DSC2 protein (p.Thr519Ser). This variant is not present in population databases (gnomAD no frequency). This variant has not been reported in the literature in individuals affected with DSC2-related conditions. Advanced modeling of protein sequence and biophysical properties (such as structural, functional, and spatial information, amino acid conservation, physicochemical variation, residue mobility, and thermodynamic stability) performed at Invitae indicates that this missense variant is not expected to disrupt DSC2 protein function. In summary, the available evidence is currently insufficient to determine the role of this variant in disease. Therefore, it has been classified as a Variant of Uncertain Significance.

NM_024422.6(DSC2):c.1556C>G (p.Thr519Ser)

Gene: DSC2 (desmocollin 2; minus strand). Cytogenetic location: 18q12.1.
Variant type: single nucleotide variant.
Coding change: c.1556C>G on transcript NM_024422.6 (MANE Select); coding-DNA position 1556, C replaced by G.
Protein change: p.Thr519Ser; replaces threonine 519 with serine.
Molecular consequence: missense variant.
Genome position (GRCh38, 1-based): chr18:31,079,954, G>C on the plus strand (C>G on the coding strand, the complement: DSC2 is on the minus strand). VCF-style: chr18-31079954-G-C. GRCh37 (hg19) VCF-style: chr18-28659920-G-C.
Other names: c.1127C>G, p.Thr376Ser (NM_001406506.1, NM_001406507.1); c.1556C>G, p.Thr519Ser (NM_004949.5); short protein forms T376S, T519S.
Identifiers: ClinVar variation 2881326 (VCV002881326.3), dbSNP rs1987153056, ClinGen allele CA402108165.
Genomic context (GRCh38, chr18:31,079,954, plus strand): 5'-GTCTCTGCCTCTCTATCCAGGCTTCTGAAAACTTTGATTGATCCTGTATTTTCATCAATG[G>C]TGACCCACCCTGTTGGATCAGTTAATTTCTTATACCTGTTGGTAATGATGAATTAAAATA-3'
Protein context (NP_077740.1, residues 509-529): KKLTDPTGWV[Thr519Ser]IDENTGSIKV